The following is an entry in ClinVar:

ClinVar aggregate classification (germline): Benign/Likely benign. Review status: criteria provided, multiple submitters, no conflicts (2 of 4 stars). 3 submissions from 3 submitters: Benign (1); Likely benign (2). Last evaluated 2026-01-26.

Conditions:
Hereditary cancer-predisposing syndrome. Also called: Hereditary Cancer Syndrome; Neoplastic Syndromes, Hereditary; Tumor predisposition; Hereditary neoplastic syndrome. Identifiers: Orphanet 140162, MedGen C0027672, MeSH D009386, MONDO:0015356.
Familial cancer of breast. Also called: Hereditary breast cancer; hereditary breast carcinoma; BREAST CANCER, FAMILIAL. Identifiers: Orphanet 227535, MedGen C0346153, MONDO:0016419, OMIM 114480. Disease mechanism: loss of function.

Submissions (3):

Labcorp Genetics (formerly Invitae), Labcorp
Classification: Likely benign for Familial cancer of breast. Last evaluated: 2026-01-26. Review status: criteria provided, single submitter. Criteria: Invitae Variant Classification Sherloc (09022015). Collection method: clinical testing. Allele origin: germline.

Myriad Genetics, Inc.
Classification: Benign for Familial cancer of breast. Last evaluated: 2024-07-22. Review status: criteria provided, single submitter. Criteria: Myriad Autosomal Dominant, Autosomal Recessive and X-Linked Classification Criteria (2023). Collection method: clinical testing. Allele origin: unknown.
Comment: This variant is considered benign. This variant is a silent/synonymous amino acid change and it is not expected to impact splicing.

Ambry Genetics
Classification: Likely benign for Hereditary cancer-predisposing syndrome. Last evaluated: 2015-10-13. Review status: criteria provided, single submitter. Criteria: Ambry Variant Classification Scheme 2023. Collection method: clinical testing. Allele origin: germline.

NM_000465.4(BARD1):c.459A>G (p.Lys153=)

Gene: BARD1 (BRCA1 associated RING domain 1; minus strand). Cytogenetic location: 2q35.
Variant type: single nucleotide variant.
Coding change: c.459A>G on transcript NM_000465.4 (MANE Select); coding-DNA position 459, A replaced by G.
Protein change: p.Lys153=; no amino-acid change (lysine 153 retained).
Molecular consequence: synonymous variant. On other transcripts: non-coding transcript variant (2), intron variant (3).
Genome position (GRCh38, 1-based): chr2:214,781,415, T>C on the plus strand (A>G on the coding strand, the complement: BARD1 is on the minus strand). VCF-style: chr2-214781415-T-C. GRCh37 (hg19) VCF-style: chr2-215646139-T-C.
Other names: c.402A>G, p.Lys134= (NM_001282543.2); c.158+27997A>G (NM_001282548.2); c.215+15646A>G (NM_001282545.2); c.364+10882A>G (NM_001282549.2).
Identifiers: ClinVar variation 1639593 (VCV001639593.12), dbSNP rs2106112328, ClinGen allele CA431136109.